The following is an entry in ClinVar:

ClinVar aggregate classification (germline): Benign (1 of 4 stars; one submission).

Allele frequency attached by ClinVar (database versions not stated): 1000 Genomes Project 0.35224; gnomAD 0.28458; TOPMed 0.29195; 1000 Genomes Project 30x 0.34525.
gnomAD v4.1: 43,306 of 152,190 alleles (28%); highest among the groups gnomAD compares: East Asian, 62%; 6,553 homozygotes.

Submission:

GeneDx
Classification: Benign. Last evaluated: 2018-06-14. Review status: criteria provided, single submitter. Criteria: GeneDx Variant Classification (06012015). Collection method: clinical testing. Allele origin: germline. Affected: yes.
Comment: This variant is considered likely benign or benign based on one or more of the following criteria: it is a conservative change, it occurs at a poorly conserved position in the protein, it is predicted to be benign by multiple in silico algorithms, and/or has population frequency not consistent with disease.

NM_000093.5(COL5A1):c.2287-260T>G

Gene: COL5A1 (collagen type V alpha 1 chain; plus strand). Cytogenetic location: 9q34.3.
Variant type: single nucleotide variant.
Coding change: c.2287-260T>G on transcript NM_000093.5 (MANE Select); 260 bases into the intron before coding-DNA position 2287, T replaced by G.
Molecular consequence: intron variant.
Genome position (GRCh38, 1-based): chr9:134,772,530, T>G. VCF-style: chr9-134772530-T-G. GRCh37 (hg19) VCF-style: chr9-137664376-T-G.
Other names: c.2287-260T>G (NM_001278074.1).
Identifiers: ClinVar variation 683367 (VCV000683367.1), dbSNP rs12685359, ClinGen allele CA13060277.